The following is an entry in ClinVar:

NM_000744.7(CHRNA4):c.112G>C (p.Glu38Gln)

Gene: CHRNA4 (cholinergic receptor nicotinic alpha 4 subunit; minus strand). Cytogenetic location: 20q13.33.
Variant type: single nucleotide variant.
Coding change: c.112G>C on transcript NM_000744.7 (MANE Select); coding-DNA position 112, G replaced by C.
Protein change: p.Glu38Gln; replaces glutamic acid 38 with glutamine.
Molecular consequence: missense variant. On other transcripts: 5 prime UTR variant (1), non-coding transcript variant (1).
Genome position (GRCh38, 1-based): chr20:63,359,664, C>G on the plus strand (G>C on the coding strand, the complement: CHRNA4 is on the minus strand). VCF-style: chr20-63359664-C-G. GRCh37 (hg19) VCF-style: chr20-61991016-C-G.
Other names: c.-435G>C (NM_001256573.2); c.112G>C (NM_000744.5); short protein forms E38Q.
Identifiers: ClinVar variation 944305 (VCV000944305.10), dbSNP rs1428100117, ClinGen allele CA409643859.
Genomic context (GRCh38, chr20:63,359,664, plus strand): 5'-TGTTGGCCACGGGTCGGGACCACTTGTTGTAACCGGAGAAGAGTTTCTTCAGGAGCCGCT[C>G]CTCGGCGTGGGCCCGGGTCTCCACATGGCTGCTGGCTGCGGGGAGAGGCAGGCCAGTGGC-3'
Protein context (NP_000735.1, residues 28-48): SHVETRAHAE[Glu38Gln]RLLKKLFSGY

ClinVar aggregate classification (germline): Conflicting classifications of pathogenicity. Review status: criteria provided, conflicting classifications (1 of 4 stars). 2 submissions from 2 submitters: Uncertain significance (1); Likely benign (1). Last evaluated 2024-09-16.

Conditions:
Familial sleep-related hypermotor epilepsy. Also called: Autosomal Dominant Sleep-Related Hypermotor (Hyperkinetic) Epilepsy. Identifiers: Orphanet 98784, MedGen C3696898, MONDO:0000030.

Allele frequency attached by ClinVar (database versions not stated): gnomAD exomes below 0.00001.

Submissions (2):

GeneDx
Classification: Uncertain significance. Last evaluated: 2024-09-16. Review status: criteria provided, single submitter. Criteria: GeneDx Variant Classification Process June 2021. Collection method: clinical testing. Allele origin: germline. Affected: yes.
Comment: Not observed at significant frequency in large population cohorts (gnomAD); In silico analysis indicates that this missense variant does not alter protein structure/function; Has not been previously published as pathogenic or benign to our knowledge

Labcorp Genetics (formerly Invitae), Labcorp
Classification: Likely benign. Last evaluated: 2022-10-25. Review status: criteria provided, single submitter. Criteria: Invitae Variant Classification Sherloc (09022015). Collection method: clinical testing. Allele origin: germline.